The following is an entry in ClinVar:

ClinVar aggregate classification (germline): Uncertain significance (1 of 4 stars; one submission).

Submission:

GeneDx
Classification: Uncertain significance. Last evaluated: 2024-03-19. Review status: criteria provided, single submitter. Criteria: GeneDx Variant Classification Process June 2021. Collection method: clinical testing. Allele origin: germline. Affected: yes.
Comment: Not observed at significant frequency in large population cohorts (gnomAD); In silico analysis supports that this missense variant has a deleterious effect on protein structure/function; Has not been previously published as pathogenic or benign to our knowledge

NM_001374353.1(GLI2):c.4529G>A (p.Gly1510Asp)

Gene: GLI2 (GLI family zinc finger 2; plus strand). Cytogenetic location: 2q14.2.
Variant type: single nucleotide variant.
Coding change: c.4529G>A on transcript NM_001374353.1 (MANE Select); coding-DNA position 4529, G replaced by A.
Protein change: p.Gly1510Asp; replaces glycine 1510 with aspartic acid.
Molecular consequence: missense variant.
Genome position (GRCh38, 1-based): chr2:120,990,494, G>A. VCF-style: chr2-120990494-G-A. GRCh37 (hg19) VCF-style: chr2-121748070-G-A.
Other names: c.4580G>A, p.Gly1527Asp (NM_001371271.1, NM_005270.5); c.4154G>A, p.Gly1385Asp (NM_001374354.1); short protein forms G1385D, G1510D, G1527D.
Identifiers: ClinVar variation 3371221 (VCV003371221.1).